The following is an entry in ClinVar:

ClinVar aggregate classification (germline): Uncertain significance (1 of 4 stars; one submission).

Submission:

GeneDx
Classification: Uncertain significance. Last evaluated: 2020-07-14. Review status: criteria provided, single submitter. Criteria: GeneDx Variant Classification Process June 2021. Collection method: clinical testing. Allele origin: germline. Affected: yes.
Comment: Not observed in large population cohorts (Lek et al., 2016); In silico analysis supports that this missense variant has a deleterious effect on protein structure/function; Has not been previously published as pathogenic or benign to our knowledge

NM_005465.7(AKT3):c.444T>G (p.Phe148Leu)

Gene: AKT3 (AKT serine/threonine kinase 3; minus strand). Cytogenetic location: 1q44.
Variant type: single nucleotide variant.
Coding change: c.444T>G on transcript NM_005465.7 (MANE Select); coding-DNA position 444, T replaced by G.
Protein change: p.Phe148Leu; replaces phenylalanine 148 with leucine.
Molecular consequence: missense variant.
Genome position (GRCh38, 1-based): chr1:243,637,728, A>C on the plus strand (T>G on the coding strand, the complement: AKT3 is on the minus strand). VCF-style: chr1-243637728-A-C. GRCh37 (hg19) VCF-style: chr1-243801030-A-C.
Other names: c.444T>G, p.Phe148Leu (NM_001206729.2, NM_001370074.1, NM_181690.2); short protein forms F148L.
Identifiers: ClinVar variation 1313032 (VCV001313032.2), dbSNP rs2147812432, ClinGen allele CA345669908.